The following is an entry in ClinVar:

NM_014003.4(DHX38):c.3088G>A (p.Asp1030Asn)

Genes: DHX38 (DEAH-box helicase 38; plus strand), LOC126862391 (CDK7 strongly-dependent group 2 enhancer GRCh37_chr16:72141414-72142613; plus strand). Cytogenetic location: 16q22.2.
Variant type: single nucleotide variant.
Coding change: c.3088G>A on transcript NM_014003.4 (MANE Select); coding-DNA position 3088, G replaced by A.
Protein change: p.Asp1030Asn; replaces aspartic acid 1030 with asparagine.
Molecular consequence: missense variant.
Genome position (GRCh38, 1-based): chr16:72,108,350, G>A. VCF-style: chr16-72108350-G-A. GRCh37 (hg19) VCF-style: chr16-72142249-G-A.
Other names: short protein forms D1030N.
Identifiers: ClinVar variation 1490836 (VCV001490836.5), dbSNP rs201741501, ClinGen allele CA8160860.

ClinVar aggregate classification (germline): Uncertain significance (1 of 4 stars; one submission).

Allele frequency attached by ClinVar (database versions not stated): gnomAD 0.00001; ExAC 0.00002; gnomAD exomes 0.00002; TOPMed 0.00002; ESP Exome Variant Server 0.00015.
gnomAD v4.1: 34 of 1,614,056 alleles (0.0021%); highest among the groups gnomAD compares: Non-Finnish European, 0.0028%; no homozygotes.

Submission:

Labcorp Genetics (formerly Invitae), Labcorp
Classification: Uncertain significance. Last evaluated: 2022-07-19. Review status: criteria provided, single submitter. Criteria: Invitae Variant Classification Sherloc (09022015). Collection method: clinical testing. Allele origin: germline.
Comment: This sequence change replaces aspartic acid, which is acidic and polar, with asparagine, which is neutral and polar, at codon 1030 of the DHX38 protein (p.Asp1030Asn). This variant is present in population databases (rs201741501, gnomAD 0.004%). This variant has not been reported in the literature in individuals affected with DHX38-related conditions. ClinVar contains an entry for this variant (Variation ID: 1490836). Algorithms developed to predict the effect of missense changes on protein structure and function are either unavailable or do not agree on the potential impact of this missense change (SIFT: "Deleterious"; PolyPhen-2: "Benign"; Align-GVGD: "Class C0"). In summary, the available evidence is currently insufficient to determine the role of this variant in disease. Therefore, it has been classified as a Variant of Uncertain Significance.